The following is an entry in ClinVar:

NM_138295.5(PKD1L1):c.1566A>G (p.Thr522=)

Gene: PKD1L1 (polycystin 1 like 1, transient receptor potential channel interacting; minus strand). Cytogenetic location: 7p12.3.
Variant type: single nucleotide variant.
Coding change: c.1566A>G on transcript NM_138295.5 (MANE Select); coding-DNA position 1566, A replaced by G.
Protein change: p.Thr522=; no amino-acid change (threonine 522 retained).
Molecular consequence: synonymous variant.
Genome position (GRCh38, 1-based): chr7:47,905,282, T>C on the plus strand (A>G on the coding strand, the complement: PKD1L1 is on the minus strand). VCF-style: chr7-47905282-T-C. GRCh37 (hg19) VCF-style: chr7-47944879-T-C.
Identifiers: ClinVar variation 4989750 (VCV004989750.1).

ClinVar aggregate classification (germline): Likely benign (1 of 4 stars; one submission).

Conditions:
PKD1L1-related disorder. Also called: PKD1L1-related condition.

gnomAD v4.1: 4 of 1,614,074 alleles (0.00025%); highest among the groups gnomAD compares: African/African-American, 0.004%; no homozygotes.

Submission:

PreventionGenetics, part of Exact Sciences
Classification: Likely benign for PKD1L1-related condition. Last evaluated: 2025-11-11. Review status: criteria provided, single submitter. Criteria: ACMG Guidelines, 2015. Collection method: clinical testing. Allele origin: germline.
Comment: This variant is classified as likely benign based on ACMG/AMP sequence variant interpretation guidelines (Richards et al. 2015 PMID: 25741868, with internal and published modifications).